The following is an entry in ClinVar:

ClinVar aggregate classification (germline): Conflicting classifications of pathogenicity. Review status: criteria provided, conflicting classifications (1 of 4 stars). 3 submissions from 3 submitters: Uncertain significance (1); Likely benign (2). Last evaluated 2025-08-12.

Conditions:
Osteogenesis imperfecta type I (OI1). Also called: OI, TYPE I; OSTEOGENESIS IMPERFECTA TARDA; OSTEOGENESIS IMPERFECTA WITH BLUE SCLERAE; Osteogenesis imperfecta type 1; Lobstein's Disease; Lobstein disease. Identifiers: Orphanet 216796, Orphanet 666, MedGen C0023931, MONDO:0008146, OMIM 166200. Disease mechanism: loss of function.
Primary dilated cardiomyopathy (DCM). Also called: Dilated Cardiomyopathy. Identifiers: Orphanet 217604, MedGen C0007193, MeSH D002311, MONDO:0005021, HP:0001644. Inheritance: Various modes of inheritance.

gnomAD v4.1: 3 of 1,613,462 alleles (0.00019%); highest among the groups gnomAD compares: East Asian, 0.0045%; no homozygotes.

Submissions (3):

Labcorp Genetics (formerly Invitae), Labcorp
Classification: Likely benign for Osteogenesis imperfecta type I. Last evaluated: 2025-08-12. Review status: criteria provided, single submitter. Criteria: Invitae Variant Classification Sherloc (09022015). Collection method: clinical testing. Allele origin: germline.

Clinical Center for Gene Diagnosis and Therapy, Department of Cardiovascular Surgery, The Second Xiangya Hospital of Central South University
Classification: Uncertain significance for Primary dilated cardiomyopathy. Last evaluated: 2023-06-01. Review status: criteria provided, single submitter. Criteria: ACMG Guidelines, 2015. Collection method: clinical testing. Allele origin: germline. Affected: yes.

CeGaT Center for Human Genetics Tuebingen
Classification: Likely benign. Last evaluated: 2022-11-01. Review status: criteria provided, single submitter. Criteria: CeGaT Center For Human Genetics Tuebingen Variant Classification Criteria Version 2. Collection method: clinical testing. Allele origin: germline. Affected: yes. Observed: 1 variant allele.
Comment: COL1A1: BP4

NM_000088.4(COL1A1):c.4339G>T (p.Val1447Phe)

Gene: COL1A1 (collagen type I alpha 1 chain; minus strand). Cytogenetic location: 17q21.33.
Variant type: single nucleotide variant.
Coding change: c.4339G>T on transcript NM_000088.4 (MANE Select); coding-DNA position 4339, G replaced by T.
Protein change: p.Val1447Phe; replaces valine 1447 with phenylalanine.
Molecular consequence: missense variant.
Genome position (GRCh38, 1-based): chr17:50,185,558, C>A on the plus strand (G>T on the coding strand, the complement: COL1A1 is on the minus strand). VCF-style: chr17-50185558-C-A. GRCh37 (hg19) VCF-style: chr17-48262919-C-A.
Other names: short protein forms V1447F.
Identifiers: ClinVar variation 2505324 (VCV002505324.26), dbSNP rs367952133, ClinGen allele CA8644178.